The following is an entry in ClinVar:

NM_025179.4(PLXNA2):c.3980C>T (p.Pro1327Leu)

Gene: PLXNA2 (plexin A2; minus strand). Cytogenetic location: 1q32.2.
Variant type: single nucleotide variant.
Coding change: c.3980C>T on transcript NM_025179.4 (MANE Select); coding-DNA position 3980, C replaced by T.
Protein change: p.Pro1327Leu; replaces proline 1327 with leucine.
Molecular consequence: missense variant.
Genome position (GRCh38, 1-based): chr1:208,043,098, G>A on the plus strand (C>T on the coding strand, the complement: PLXNA2 is on the minus strand). VCF-style: chr1-208043098-G-A. GRCh37 (hg19) VCF-style: chr1-208216443-G-A.
Other names: short protein forms P1327L.
Identifiers: ClinVar variation 4981374 (VCV004981374.1).
Genomic context (GRCh38, chr1:208,043,098, plus strand): 5'-TGGGCCCAGGAGGCAGGCATTACCTCCAGCTCCCGCAGGACGGGGTGGTCCTCGATGCCC[G>A]GGAACAGGACTCGCATAGCGTAGGTACGATAGTCCAGGTAAGGGATTCCTGAGCGGTCCA-3'
Protein context (NP_079455.3, residues 1317-1337): YRTYAMRVLF[Pro1327Leu]GIEDHPVLRE

ClinVar aggregate classification (germline): Uncertain significance (1 of 4 stars; one submission).

Conditions:
PLXNA2-related disorder. Also called: PLXNA2-related condition.

gnomAD v4.1: 7 of 1,613,938 alleles (0.00043%); highest among the groups gnomAD compares: African/African-American, 0.0013%; no homozygotes.

Submission:

PreventionGenetics, part of Exact Sciences
Classification: Uncertain significance for PLXNA2-related condition. Last evaluated: 2026-09-08. Review status: criteria provided, single submitter. Criteria: ACMG Guidelines, 2015. Collection method: clinical testing. Allele origin: germline.
Comment: The PLXNA2 c.3980C>T variant is predicted to result in the amino acid substitution p.Pro1327Leu. To our knowledge, this variant has not been reported in the literature. This variant is reported in 0.00088% of alleles in individuals of European (Non-Finnish) descent in gnomAD. At this time, the clinical significance of this variant is uncertain due to the absence of conclusive functional and genetic evidence.